The following is an entry in ClinVar:

NM_000271.5(NPC1):c.3321C>A (p.Gly1107=)

Gene: NPC1 (NPC intracellular cholesterol transporter 1; minus strand). Cytogenetic location: 18q11.2.
Variant type: single nucleotide variant.
Coding change: c.3321C>A on transcript NM_000271.5 (MANE Select); coding-DNA position 3321, C replaced by A.
Protein change: p.Gly1107=; no amino-acid change (glycine 1107 retained).
Molecular consequence: synonymous variant.
Genome position (GRCh38, 1-based): chr18:23,535,625, G>T on the plus strand (C>A on the coding strand, the complement: NPC1 is on the minus strand). VCF-style: chr18-23535625-G-T. GRCh37 (hg19) VCF-style: chr18-21115589-G-T.
Identifiers: ClinVar variation 326250 (VCV000326250.18), dbSNP rs376210355, ClinGen allele CA8912799.

ClinVar aggregate classification (germline): Conflicting classifications of pathogenicity. Review status: criteria provided, conflicting classifications (1 of 4 stars). 3 submissions from 3 submitters: Uncertain significance (1); Likely benign (1). 1 of the submissions does not count toward it. Last evaluated 2025-12-19.

Conditions:
NPC1-related disorder. Also called: NPC1-related condition.
Niemann-Pick disease, type C1. Also called: NIEMANN-PICK DISEASE, VARIANT TYPE C1; NEUROVISCERAL STORAGE DISEASE WITH VERTICAL SUPRANUCLEAR OPHTHALMOPLEGIA; NIEMANN-PICK DISEASE WITH CHOLESTEROL ESTERIFICATION BLOCK; NIEMANN-PICK DISEASE WITHOUT SPHINGOMYELINASE DEFICIENCY; NIEMANN-PICK DISEASE, CHRONIC NEURONOPATHIC FORM. Identifiers: Orphanet 646, MedGen C3179455, MONDO:0009757, OMIM 257220.

Allele frequency attached by ClinVar (database versions not stated): TOPMed 0.00006; ESP Exome Variant Server 0.00008.
gnomAD v4.1: 50 of 1,613,950 alleles (0.0031%); highest among the groups gnomAD compares: Non-Finnish European, 0.00076%; no homozygotes.

Submissions (3):

Labcorp Genetics (formerly Invitae), Labcorp
Classification: Likely benign for Niemann-Pick disease, type C1. Last evaluated: 2025-12-19. Review status: criteria provided, single submitter. Criteria: Invitae Variant Classification Sherloc (09022015). Collection method: clinical testing. Allele origin: germline.

Illumina Laboratory Services, Illumina
Classification: Uncertain significance for Niemann-Pick disease type C1. Last evaluated: 2018-01-12. Review status: criteria provided, single submitter. Criteria: ICSL Variant Classification Criteria 13 December 2019. Collection method: clinical testing. Allele origin: germline.

PreventionGenetics, part of Exact Sciences
Classification: Likely benign for NPC1-related condition. Last evaluated: 2022-03-28. Review status: no assertion criteria provided. Collection method: clinical testing. Allele origin: germline. Not counted in ClinVar's aggregate classification.
Comment: This variant is classified as likely benign based on ACMG/AMP sequence variant interpretation guidelines (Richards et al. 2015 PMID: 25741868, with internal and published modifications).